The following is an entry in ClinVar:

ClinVar aggregate classification (germline): Uncertain significance. Review status: criteria provided, multiple submitters, no conflicts (2 of 4 stars). 2 submissions from 2 submitters: Uncertain significance (2). Last evaluated 2025-11-20.

Conditions:
Tuberous sclerosis 1 (TSC1). Identifiers: Orphanet 805, MedGen C1854465, MONDO:0008612, OMIM 191100.
Hereditary cancer-predisposing syndrome. Also called: Hereditary Cancer Syndrome; Neoplastic Syndromes, Hereditary; Tumor predisposition; Hereditary neoplastic syndrome. Identifiers: Orphanet 140162, MedGen C0027672, MeSH D009386, MONDO:0015356.

Submissions (2):

Ambry Genetics
Classification: Uncertain significance for Hereditary cancer-predisposing syndrome. Last evaluated: 2025-11-20. Review status: criteria provided, single submitter. Criteria: Ambry Variant Classification Scheme 2023. Collection method: clinical testing. Allele origin: germline.
Comment: The p.A1092P variant (also known as c.3274G>C), located in coding exon 21 of the TSC1 gene, results from a G to C substitution at nucleotide position 3274. The alanine at codon 1092 is replaced by proline, an amino acid with highly similar properties. This amino acid position is conserved. In addition, the in silico prediction for this alteration is inconclusive. Based on the available evidence, the clinical significance of this variant remains unclear.

Labcorp Genetics (formerly Invitae), Labcorp
Classification: Uncertain significance for Tuberous sclerosis 1. Last evaluated: 2024-10-12. Review status: criteria provided, single submitter. Criteria: Invitae Variant Classification Sherloc (09022015). Collection method: clinical testing. Allele origin: germline.
Comment: This sequence change replaces alanine, which is neutral and non-polar, with proline, which is neutral and non-polar, at codon 1092 of the TSC1 protein (p.Ala1092Pro). This variant is not present in population databases (gnomAD no frequency). This variant has not been reported in the literature in individuals affected with TSC1-related conditions. Invitae Evidence Modeling of protein sequence and biophysical properties (such as structural, functional, and spatial information, amino acid conservation, physicochemical variation, residue mobility, and thermodynamic stability) indicates that this missense variant is not expected to disrupt TSC1 protein function with a negative predictive value of 95%. In summary, the available evidence is currently insufficient to determine the role of this variant in disease. Therefore, it has been classified as a Variant of Uncertain Significance.

NM_000368.5(TSC1):c.3274G>C (p.Ala1092Pro)

Gene: TSC1 (TSC complex subunit 1; minus strand). Cytogenetic location: 9q34.13.
Variant type: single nucleotide variant.
Coding change: c.3274G>C on transcript NM_000368.5 (MANE Select); coding-DNA position 3274, G replaced by C.
Protein change: p.Ala1092Pro; replaces alanine 1092 with proline.
Molecular consequence: missense variant. On other transcripts: non-coding transcript variant (5).
Genome position (GRCh38, 1-based): chr9:132,896,456, C>G on the plus strand (G>C on the coding strand, the complement: TSC1 is on the minus strand). VCF-style: chr9-132896456-C-G. GRCh37 (hg19) VCF-style: chr9-135771843-C-G.
Other names: c.3259G>C, p.Ala1087Pro (NM_001406601.1, NM_001406602.1); c.3256G>C, p.Ala1086Pro (NM_001406603.1, NM_001406604.1); c.3232G>C, p.Ala1078Pro (NM_001406605.1, NM_001406606.1, NM_001406607.1); c.3229G>C, p.Ala1077Pro (NM_001406608.1, NM_001406609.1); c.3121G>C, p.Ala1041Pro (NM_001406610.1, NM_001162427.2); c.3118G>C, p.Ala1040Pro (NM_001406611.1, NM_001406612.1); c.3076G>C, p.Ala1026Pro (NM_001406613.1); c.2911G>C, p.Ala971Pro (NM_001406614.1, NM_001406615.1, NM_001406616.1 and 4 more transcripts); and 8 more; short protein forms A1078P, A1091P, A774P, A775P, A957P, A1026P, A741P, A971P.
Identifiers: ClinVar variation 3708171 (VCV003708171.3).
Genomic context (GRCh38, chr9:132,896,456, plus strand): 5'-TACTGGTCATGCCGTCCTCATCACACTGGCTCTCGCTCTTATTACGAAATAACTCTCGAG[C>G]CTTCATACCCAGGAAGCTTTTTGAACTGGGAAGTGAGCCCACAGTGGTGGGGATGCTGGC-3'
Protein context (NP_000359.1, residues 1082-1102): PSSKSFLGMK[Ala1092Pro]RELFRNKSES